The following is an entry in ClinVar:

ClinVar aggregate classification (germline): Uncertain significance (1 of 4 stars; one submission).

Conditions:
Alpha thalassemia-X-linked intellectual disability syndrome (ATRX). Also called: ALPHA-THALASSEMIA/MENTAL RETARDATION SYNDROME, X-LINKED; ATR, NONDELETION TYPE; ATR-X syndrome; Alpha thalassemia mental retardation syndrome, nondeletion type, X-linked; XLMR hypotonic face syndrome; X-linked alpha-thalassemia-mental retardation syndrome. Identifiers: Orphanet 847, MedGen C1845055, MONDO:0010519, OMIM 301040.

Submission:

Labcorp Genetics (formerly Invitae), Labcorp
Classification: Uncertain significance for Alpha thalassemia-X-linked intellectual disability syndrome. Last evaluated: 2023-08-30. Review status: criteria provided, single submitter. Criteria: Invitae Variant Classification Sherloc (09022015). Collection method: clinical testing. Allele origin: germline.
Comment: In summary, the available evidence is currently insufficient to determine the role of this variant in disease. Therefore, it has been classified as a Variant of Uncertain Significance. Algorithms developed to predict the effect of sequence changes on RNA splicing suggest that this variant may disrupt the consensus splice site. ClinVar contains an entry for this variant (Variation ID: 2122199). This variant has not been reported in the literature in individuals affected with ATRX-related conditions. This variant is not present in population databases (gnomAD no frequency). This sequence change affects codon 1855 of the ATRX mRNA. It is a 'silent' change, meaning that it does not change the encoded amino acid sequence of the ATRX protein. It affects a nucleotide within the consensus splice site.

NM_000489.6(ATRX):c.5565A>C (p.Thr1855=)

Gene: ATRX (ATRX chromatin remodeler; minus strand). Cytogenetic location: Xq21.1.
Variant type: single nucleotide variant.
Coding change: c.5565A>C on transcript NM_000489.6 (MANE Select); coding-DNA position 5565, A replaced by C.
Protein change: p.Thr1855=; no amino-acid change (threonine 1855 retained).
Molecular consequence: synonymous variant.
Genome position (GRCh38, 1-based): chrX:77,616,614, T>G on the plus strand (A>C on the coding strand, the complement: ATRX is on the minus strand). VCF-style: chrX-77616614-T-G. GRCh37 (hg19) VCF-style: chrX-76872082-T-G.
Other names: c.5451A>C, p.Thr1817= (NM_138270.5).
Identifiers: ClinVar variation 2122199 (VCV002122199.4), dbSNP rs1557096967, ClinGen allele CA517375116.
Genomic context (GRCh38, chrX:77,616,614, plus strand): 5'-TTCTTTGGAAAAAGAATGTCTTTATAGAGAAGATGAAATCAACAAGGTGTATTGTTTACC[T>G]GTTAAGTGATCTAAGTAGTACTGATAGAGCTTGCACTGAATAGAAGTCATTCTCACAGCT-3'
Protein context (NP_000480.3, residues 1845-1865): KLYQYYLDHL[Thr1855=]GVGNNSEGGR